The following is an entry in ClinVar:

ClinVar aggregate classification (germline): Pathogenic. Review status: criteria provided, multiple submitters, no conflicts (2 of 4 stars). 10 submissions from 10 submitters: Pathogenic (9). 1 of the submissions does not count toward it. Last evaluated 2026-01-29.

Conditions:
Retinitis pigmentosa (RP). Identifiers: Orphanet 791, MedGen C0035334, MeSH D012174, MONDO:0019200, OMIM 268000. Inheritance: Autosomal dominant, autosomal recessive and X linked inheritance.
NR2E3-related disorder. Also called: NR2E3-related condition; NR2E3-related disorders. Identifiers: MedGen CN239387.
Retinal dystrophy. Also called: Inherited retinal dystrophy. Identifiers: Orphanet 71862, MedGen C0854723, MeSH D058499, MONDO:0019118, HP:0000556.
Enhanced S-cone syndrome (ESCS). Identifiers: Orphanet 53540, MedGen C1849394, MONDO:0100288, MONDO:0009989.
Retinitis pigmentosa 37 (RP37). Identifiers: Orphanet 791, MedGen C1970163, MONDO:0012625, OMIM 611131.

Allele frequency attached by ClinVar (database versions not stated): gnomAD 0.00006 and 0.00005; ExAC 0.00016; gnomAD exomes 0.00004; TOPMed 0.00005.

Submissions (10):

Natera, Inc.
Classification: Pathogenic for Enhanced S cone syndrome. Last evaluated: 2026-01-29. Review status: criteria provided, single submitter. Criteria: Natera Variant Classification Schema (03/2026). Collection method: clinical testing. Allele origin: germline.
Comment: The c.481delA variant in NR2E3 is a frameshift variant predicted to shift the reading frame beginning at codon 161 and leads to a stop codon 18 codons downstream. This variant is expected to result in nonsense mediated decay, truncation, or a dysfunctional protein product. This variant is rare in the general population with a frequency below the threshold expected for the associated phenotype(s). This variant has been observed in one or more individuals affected with the associated recessive disease, as either homozygous or compound heterozygous with a second variant (PMID: 18436841, 15459973). Additionally, this variant has been observed to segregate in affected family members (PMID: 18436841). Given the available evidence, this variant is classified as Pathogenic.

Institute of Medical Genetics and Applied Genomics, University Hospital Tübingen
Classification: Pathogenic for Retinitis pigmentosa 37. Last evaluated: 2026-01-14. Review status: criteria provided, single submitter. Criteria: ACMG Guidelines, 2015. Collection method: clinical testing. Allele origin: germline. Inheritance: Autosomal recessive inheritance. Affected: yes.

Labcorp Genetics (formerly Invitae), Labcorp
Classification: Pathogenic. Last evaluated: 2025-12-19. Review status: criteria provided, single submitter. Criteria: Invitae Variant Classification Sherloc (09022015). Collection method: clinical testing. Allele origin: germline.
Comment: This sequence change creates a premature translational stop signal (p.Thr161Hisfs*18) in the NR2E3 gene. It is expected to result in an absent or disrupted protein product. Loss-of-function variants in NR2E3 are known to be pathogenic (PMID: 15459973, 27522502). This variant is present in population databases (rs759339012, gnomAD 0.01%). This premature translational stop signal has been observed in individuals with autosomal recessive enhanced S-cone syndrome (PMID: 15459973, 18436841, 22711506). ClinVar contains an entry for this variant (Variation ID: 636047). For these reasons, this variant has been classified as Pathogenic.

Blueprint Genetics
Classification: Pathogenic for NR2E3-related disorders. Last evaluated: 2024-11-11. Review status: criteria provided, single submitter. Criteria: ACMG Guidelines, 2015. Collection method: clinical testing. Allele origin: germline. Affected: yes. Observed: 5 variant alleles.

Revvity Omics, Revvity
Classification: Pathogenic. Last evaluated: 2024-09-25. Review status: criteria provided, single submitter. Criteria: ACMG Guidelines, 2015. Collection method: clinical testing. Allele origin: germline.

Baylor Genetics
Classification: Pathogenic for ENHANCED S-CONE SYNDROME 1. Last evaluated: 2024-03-01. Review status: criteria provided, single submitter. Criteria: ACMG Guidelines, 2015. Collection method: clinical testing. Allele origin: unknown.

CeGaT Center for Human Genetics Tuebingen
Classification: Pathogenic. Last evaluated: 2024-01-01. Review status: criteria provided, single submitter. Criteria: CeGaT Center For Human Genetics Tuebingen Variant Classification Criteria Version 2. Collection method: clinical testing. Allele origin: germline. Affected: yes. Observed: 3 variant alleles.
Comment: NR2E3: PM3:Very Strong, PVS1, PM2

PreventionGenetics, part of Exact Sciences
Classification: Pathogenic for NR2E3-related condition. Last evaluated: 2022-11-11. Review status: criteria provided, single submitter. Criteria: ACMG Guidelines, 2015. Collection method: clinical testing. Allele origin: germline.
Comment: The NR2E3 c.481delA variant is predicted to result in a frameshift and premature protein termination (p.Thr161Hisfs*18). This variant was reported in the homozygous and compound heterozygous state in individuals with NR2E3-related diseases (see for example - Wright et al. 2004. PubMed ID: 15459973). This variant is reported in 0.017% of alleles in individuals of European (Non-Finnish) descent in gnomAD. Frameshift variants in NR2E3 are expected to be pathogenic. This variant is interpreted as pathogenic.

Institute of Human Genetics, Univ. Regensburg, Univ. Regensburg
Classification: Pathogenic for Retinal dystrophy. Last evaluated: 2022-01-01. Review status: criteria provided, single submitter. Criteria: ACMG Guidelines, 2015. Collection method: clinical testing. Allele origin: germline. Affected: yes.

Department of Clinical Genetics, Copenhagen University Hospital, Rigshospitalet
Classification: Likely pathogenic for Retinitis pigmentosa. Last evaluated: 2018-04-01. Review status: no assertion criteria provided. Collection method: research. Allele origin: unknown. Affected: yes. Study: VeluxRD. Not counted in ClinVar's aggregate classification.

Literature cited by the submitters: PubMed 18436841 (cited by Natera, Inc. and Labcorp Genetics (formerly Invitae), Labcorp); PubMed 15459973 (cited by 3 submitters); PubMed 27522502 (cited by Labcorp Genetics (formerly Invitae), Labcorp); PubMed 22711506 (cited by Labcorp Genetics (formerly Invitae), Labcorp); PubMed 31980526 (cited by Institute of Human Genetics, Univ. Regensburg, Univ. Regensburg); PubMed 32552793 (cited by Institute of Human Genetics, Univ. Regensburg, Univ. Regensburg); PubMed 33004838 (cited by Institute of Human Genetics, Univ. Regensburg, Univ. Regensburg); PubMed 32531858 (cited by Institute of Human Genetics, Univ. Regensburg, Univ. Regensburg); PubMed 34426522 (cited by Institute of Human Genetics, Univ. Regensburg, Univ. Regensburg); PubMed 30718709 (cited by Department of Clinical Genetics, Copenhagen University Hospital, Rigshospitalet).

NM_014249.4(NR2E3):c.481del (p.Thr161fs)

Gene: NR2E3 (nuclear receptor subfamily 2 group E member 3; plus strand). Cytogenetic location: 15q23.
Variant type: Deletion.
Coding change: c.481del on transcript NM_014249.4 (MANE Select); coding-DNA position 481, one base deleted (A; older notation c.481delA).
Protein change: p.Thr161fs; shifts the reading frame from threonine 161.
Molecular consequence: frameshift variant.
Genome position (GRCh38, 1-based): chr15:71,812,086, A deleted. VCF-style (leftmost placement, unchanged base first): chr15-71812085-CA-C. GRCh37 (hg19) VCF-style: chr15-72104425-CA-C.
Other names: c.481del, p.Thr161fs (NM_016346.4); c.481delA (NM_014249.4, NM_014249.3); short protein forms T161fs.
Identifiers: ClinVar variation 636047 (VCV000636047.56), dbSNP rs759339012, ClinGen allele CA7640319.